The following is an entry in ClinVar:

NM_003995.4(NPR2):c.507del (p.Tyr170fs)

Gene: NPR2 (natriuretic peptide receptor 2; plus strand). Cytogenetic location: 9p13.3.
Variant type: Deletion.
Coding change: c.507del on transcript NM_003995.4 (MANE Select); coding-DNA position 507, one base deleted (G; older notation c.507delG).
Protein change: p.Tyr170fs; shifts the reading frame from tyrosine 170.
Molecular consequence: frameshift variant.
Genome position (GRCh38, 1-based): chr9:35,792,915, G deleted. VCF-style (leftmost placement, unchanged base first): chr9-35792914-TG-T. GRCh37 (hg19) VCF-style: chr9-35792911-TG-T.
Other names: c.507del, p.Tyr170fs (NM_001378923.1); short protein forms Y170fs.
Identifiers: ClinVar variation 1395420 (VCV001395420.1), dbSNP rs2132066904, ClinGen allele CA2573144630.

ClinVar aggregate classification (germline): Pathogenic (1 of 4 stars; one submission).

Conditions:
Acromesomelic dysplasia 1, Maroteaux type (AMD1). Also called: ST. HELENA DYSPLASIA; ACROMESOMELIC DYSPLASIA 1. Identifiers: Orphanet 40, MedGen C1864356, MONDO:0011275, OMIM 602875.
Tall stature-scoliosis-macrodactyly of the great toes syndrome. Also called: Epiphyseal chondrodysplasia, miura type. Identifiers: Orphanet 329191, MedGen C4014690, MONDO:0014401, OMIM 615923.

Submission:

Labcorp Genetics (formerly Invitae), Labcorp
Classification: Pathogenic for Tall stature-scoliosis-macrodactyly of the great toes syndrome; Acromesomelic dysplasia 1, Maroteaux type. Last evaluated: 2021-11-02. Review status: criteria provided, single submitter. Criteria: Invitae Variant Classification Sherloc (09022015). Collection method: clinical testing. Allele origin: germline.
Comment: This sequence change creates a premature translational stop signal (p.Tyr170Thrfs*76) in the NPR2 gene. It is expected to result in an absent or disrupted protein product. Loss-of-function variants in NPR2 are known to be pathogenic (PMID: 15146390, 15572448, 16384845). This variant is not present in population databases (gnomAD no frequency). This variant has not been reported in the literature in individuals affected with NPR2-related conditions. For these reasons, this variant has been classified as Pathogenic.

Literature cited by the submitters: PubMed 15146390; PubMed 15572448; PubMed 16384845.